The following is an entry in ClinVar:

NM_014270.5(SLC7A9):c.1065C>T (p.Ile355=)

Gene: SLC7A9 (solute carrier family 7 member 9; minus strand). Cytogenetic location: 19q13.11.
Variant type: single nucleotide variant.
Coding change: c.1065C>T on transcript NM_014270.5 (MANE Select); coding-DNA position 1065, C replaced by T.
Protein change: p.Ile355=; no amino-acid change (isoleucine 355 retained).
Molecular consequence: synonymous variant.
Genome position (GRCh38, 1-based): chr19:32,843,864, G>A on the plus strand (C>T on the coding strand, the complement: SLC7A9 is on the minus strand). VCF-style: chr19-32843864-G-A. GRCh37 (hg19) VCF-style: chr19-33334770-G-A.
Other names: c.1065C>T, p.Ile355= (NM_001126335.2, NM_001243036.2).
Identifiers: ClinVar variation 3613254 (VCV003613254.2).

ClinVar aggregate classification (germline): Uncertain significance (1 of 4 stars; one submission).

gnomAD v4.1: 2 of 1,612,806 alleles (0.00012%); highest among the groups gnomAD compares: Admixed American, 0.0033%; no homozygotes.

Submission:

Labcorp Genetics (formerly Invitae), Labcorp
Classification: Uncertain significance. Last evaluated: 2024-07-06. Review status: criteria provided, single submitter. Criteria: Invitae Variant Classification Sherloc (09022015). Collection method: clinical testing. Allele origin: germline.
Comment: This sequence change affects codon 355 of the SLC7A9 mRNA. It is a 'silent' change, meaning that it does not change the encoded amino acid sequence of the SLC7A9 protein. This variant is present in population databases (rs760709256, gnomAD 0.003%). This variant has not been reported in the literature in individuals affected with SLC7A9-related conditions. Algorithms developed to predict the effect of sequence changes on RNA splicing suggest that this variant may disrupt the consensus splice site. In summary, the available evidence is currently insufficient to determine the role of this variant in disease. Therefore, it has been classified as a Variant of Uncertain Significance.